The following is an entry in ClinVar:

NM_000377.3(WAS):c.1104A>C (p.Pro368=)

Gene: WAS (WASP actin nucleation promoting factor; plus strand). Cytogenetic location: Xp11.23.
Variant type: single nucleotide variant.
Coding change: c.1104A>C on transcript NM_000377.3 (MANE Select); coding-DNA position 1104, A replaced by C.
Protein change: p.Pro368=; no amino-acid change (proline 368 retained).
Molecular consequence: synonymous variant.
Genome position (GRCh38, 1-based): chrX:48,688,832, A>C. VCF-style: chrX-48688832-A-C. GRCh37 (hg19) VCF-style: chrX-48547221-A-C.
Identifiers: ClinVar variation 2930760 (VCV002930760.25), dbSNP rs1602179393, ClinGen allele CA516356428.

ClinVar aggregate classification (germline): Likely benign. Review status: criteria provided, multiple submitters, no conflicts (2 of 4 stars). 2 submissions from 2 submitters: Likely benign (2). Last evaluated 2024-07-01.

Conditions:
Thrombocytopenia 1. Also called: X-linked thrombocytopenia with normal platelets; THROMBOCYTOPENIA, X-LINKED, 1; X-Linked Thrombocytopenia (XLT). Identifiers: Orphanet 268322, Orphanet 852, MedGen C1839163, MONDO:0010743, OMIM 313900.
Wiskott-Aldrich syndrome (WAS). Also called: ALDRICH SYNDROME; IMMUNODEFICIENCY 2; WISKOTT-ALDRICH SYNDROME 1; Wiskott-aldrich syndrome, somatic. Identifiers: Orphanet 906, MedGen C0043194, MONDO:0010518, OMIM 301000.
X-linked severe congenital neutropenia (SCNX). Identifiers: Orphanet 86788, MedGen C1845987, MONDO:0010294, OMIM 300299.

Submissions (2):

CeGaT Center for Human Genetics Tuebingen
Classification: Likely benign. Last evaluated: 2024-07-01. Review status: criteria provided, single submitter. Criteria: CeGaT Center For Human Genetics Tuebingen Variant Classification Criteria Version 2. Collection method: clinical testing. Allele origin: germline. Affected: yes. Observed: 2 variant alleles.
Comment: WAS: BP4, BP7

Labcorp Genetics (formerly Invitae), Labcorp
Classification: Likely benign for Wiskott-Aldrich syndrome; X-linked severe congenital neutropenia; Thrombocytopenia 1. Last evaluated: 2023-11-21. Review status: criteria provided, single submitter. Criteria: Invitae Variant Classification Sherloc (09022015). Collection method: clinical testing. Allele origin: germline.